The following is an entry in ClinVar:

NM_198565.3(NRROS):c.1887C>T (p.Arg629=)

Gene: NRROS (negative regulator of reactive oxygen species; plus strand). Cytogenetic location: 3q29.
Variant type: single nucleotide variant.
Coding change: c.1887C>T on transcript NM_198565.3 (MANE Select); coding-DNA position 1887, C replaced by T.
Protein change: p.Arg629=; no amino-acid change (arginine 629 retained).
Molecular consequence: synonymous variant.
Genome position (GRCh38, 1-based): chr3:196,661,530, C>T. VCF-style: chr3-196661530-C-T. GRCh37 (hg19) VCF-style: chr3-196388401-C-T.
Other names: p.Arg629=.
Identifiers: ClinVar variation 4684765 (VCV004684765.5).

ClinVar aggregate classification (germline): Benign/Likely benign. Review status: criteria provided, multiple submitters, no conflicts (2 of 4 stars). 2 submissions from 2 submitters: Benign (1); Likely benign (1). Last evaluated 2026-08-01.

gnomAD v4.1: 4,367 of 1,613,716 alleles (0.27%); highest among the groups gnomAD compares: Non-Finnish European, 0.33%; 7 homozygotes.

Submissions (2):

CeGaT Center for Human Genetics Tuebingen
Classification: Likely benign. Last evaluated: 2026-08-01. Review status: criteria provided, single submitter. Criteria: CeGaT Center For Human Genetics Tuebingen Variant Classification Criteria Version 2. Collection method: clinical testing. Allele origin: germline. Affected: yes. Observed: 2 variant alleles.
Comment: NRROS: BP4, BP7

Mayo Clinic Laboratories, Mayo Clinic
Classification: Benign. Last evaluated: 2025-07-15. Review status: criteria provided, single submitter. Criteria: ACMG Guidelines, 2015. Collection method: clinical testing. Allele origin: germline. Observed: 3 variant alleles.
Comment: BS1, BS2, BP4, BP7